The following is an entry in ClinVar:

NM_138576.4(BCL11B):c.559A>G (p.Ser187Gly)

Gene: BCL11B (BCL11 transcription factor B; minus strand). Cytogenetic location: 14q32.2.
Variant type: single nucleotide variant.
Coding change: c.559A>G on transcript NM_138576.4 (MANE Select); coding-DNA position 559, A replaced by G.
Protein change: p.Ser187Gly; replaces serine 187 with glycine.
Molecular consequence: missense variant. On other transcripts: intron variant (2).
Genome position (GRCh38, 1-based): chr14:99,231,426, T>C on the plus strand (A>G on the coding strand, the complement: BCL11B is on the minus strand). VCF-style: chr14-99231426-T-C. GRCh37 (hg19) VCF-style: chr14-99697763-T-C.
Other names: c.556A>G, p.Ser186Gly (NM_001282237.2); c.424+26045A>G (NM_001282238.2); c.427+26045A>G (NM_022898.3); short protein forms S186G, S187G.
Identifiers: ClinVar variation 3905903 (VCV003905903.11).
Genomic context (GRCh38, chr14:99,231,426, plus strand): 5'-CAAAGGGAGCCTCCGTCTGACCCTCACCCTGAGTCCCGTCACCCGAGACCGGGCGCGCGC[T>C]GCAGCACGGCAGGGGGAGGCAGGGCGGGAGAGCGCCCAGGGCACGCAGAGGTGAAGTGAT-3'
Protein context (NP_612808.1, residues 177-197): LPPCLPLPCC[Ser187Gly]ARPVSGDGTQ

ClinVar aggregate classification (germline): Uncertain significance. Review status: criteria provided, multiple submitters, no conflicts (2 of 4 stars). 2 submissions from 2 submitters: Uncertain significance (2). Last evaluated 2025-11-26.

Submissions (2):

Labcorp Genetics (formerly Invitae), Labcorp
Classification: Uncertain significance. Last evaluated: 2025-11-26. Review status: criteria provided, single submitter. Criteria: Invitae Variant Classification Sherloc (09022015). Collection method: clinical testing. Allele origin: germline.
Comment: This sequence change replaces serine, which is neutral and polar, with glycine, which is neutral and non-polar, at codon 187 of the BCL11B protein (p.Ser187Gly). This variant is not present in population databases (gnomAD no frequency). This variant has not been reported in the literature in individuals affected with BCL11B-related conditions. ClinVar contains an entry for this variant (Variation ID: 3905903). Invitae Evidence Modeling of protein sequence and biophysical properties (such as structural, functional, and spatial information, amino acid conservation, physicochemical variation, residue mobility, and thermodynamic stability) indicates that this missense variant is not expected to disrupt BCL11B protein function with a negative predictive value of 95%. In summary, the available evidence is currently insufficient to determine the role of this variant in disease. Therefore, it has been classified as a Variant of Uncertain Significance.

CeGaT Center for Human Genetics Tuebingen
Classification: Uncertain significance. Last evaluated: 2025-05-01. Review status: criteria provided, single submitter. Criteria: CeGaT Center For Human Genetics Tuebingen Variant Classification Criteria Version 2. Collection method: clinical testing. Allele origin: germline. Affected: yes. Observed: 1 variant allele.
Comment: BCL11B: PM2:Supporting, BP4